The following is an entry in ClinVar:

ClinVar aggregate classification (germline): Pathogenic (1 of 4 stars; one submission).

Conditions:
Coffin-Siris syndrome 6. Identifiers: MedGen C4540499, MONDO:0033492, OMIM 617808.

Submission:

Department of Human Genetics, Hannover Medical School
Classification: Pathogenic for Coffin-Siris syndrome 6. Last evaluated: 2026-08-03. Review status: criteria provided, single submitter. Criteria: ACMG Guidelines, 2015. Collection method: clinical testing. Allele origin: germline. Affected: yes.
Comment: PVS1, PS2_Supporting, PM2_Supporting

NM_152641.4(ARID2):c.3827del (p.Thr1276fs)

Gene: ARID2 (AT-rich interaction domain 2; plus strand). Cytogenetic location: 12q12.
Variant type: Deletion.
Coding change: c.3827del on transcript NM_152641.4 (MANE Select); coding-DNA position 3827, one base deleted (C; older notation c.3827delC).
Protein change: p.Thr1276fs; shifts the reading frame from threonine 1276.
Molecular consequence: frameshift variant.
Genome position (GRCh38, 1-based): chr12:45,851,950, C deleted. VCF-style (leftmost placement, unchanged base first): chr12-45851949-AC-A. GRCh37 (hg19) VCF-style: chr12-46245732-AC-A.
Other names: c.3827del, p.Thr1276fs (NM_001347839.2); short protein forms T1276fs.
Identifiers: ClinVar variation 4879889 (VCV004879889.1).